The following is an entry in ClinVar:

NM_177438.3(DICER1):c.3625A>C (p.Ile1209Leu)

Gene: DICER1 (dicer 1, ribonuclease III; minus strand). Cytogenetic location: 14q32.13.
Variant type: single nucleotide variant.
Coding change: c.3625A>C on transcript NM_177438.3 (MANE Select); coding-DNA position 3625, A replaced by C.
Protein change: p.Ile1209Leu; replaces isoleucine 1209 with leucine.
Molecular consequence: missense variant. On other transcripts: non-coding transcript variant (6).
Genome position (GRCh38, 1-based): chr14:95,103,771, T>G on the plus strand (A>C on the coding strand, the complement: DICER1 is on the minus strand). VCF-style: chr14-95103771-T-G. GRCh37 (hg19) VCF-style: chr14-95570108-T-G.
Other names: c.3625A>C, p.Ile1209Leu (NM_001195573.1, NM_001271282.3, NM_001291628.2 and 13 more transcripts); c.3343A>C, p.Ile1115Leu (NM_001395686.1); c.3220A>C, p.Ile1074Leu (NM_001395687.1, NM_001395688.1, NM_001395689.1 and 2 more transcripts); c.3058A>C, p.Ile1020Leu (NM_001395691.1); c.1942A>C, p.Ile648Leu (NM_001395697.1); short protein forms I1020L, I648L, I1209L, I1074L, I1115L.
Identifiers: ClinVar variation 2825185 (VCV002825185.3), dbSNP rs2542705645, ClinGen allele CA390874629.

ClinVar aggregate classification (germline): Uncertain significance (1 of 4 stars; one submission).

Conditions:
DICER1-related tumor predisposition. Also called: DICER1-related pleuropulmonary blastoma cancer predisposition syndrome; DICER1 syndrome. Identifiers: Orphanet 284343, MedGen C3839822, MONDO:0100216.

Submission:

Labcorp Genetics (formerly Invitae), Labcorp
Classification: Uncertain significance for DICER1-related tumor predisposition. Last evaluated: 2022-12-31. Review status: criteria provided, single submitter. Criteria: Invitae Variant Classification Sherloc (09022015). Collection method: clinical testing. Allele origin: germline.
Comment: This sequence change replaces isoleucine, which is neutral and non-polar, with leucine, which is neutral and non-polar, at codon 1209 of the DICER1 protein (p.Ile1209Leu). This variant is not present in population databases (gnomAD no frequency). In summary, the available evidence is currently insufficient to determine the role of this variant in disease. Therefore, it has been classified as a Variant of Uncertain Significance. Advanced modeling of protein sequence and biophysical properties (such as structural, functional, and spatial information, amino acid conservation, physicochemical variation, residue mobility, and thermodynamic stability) performed at Invitae indicates that this missense variant is not expected to disrupt DICER1 protein function. This variant has not been reported in the literature in individuals affected with DICER1-related conditions.